The following is an entry in ClinVar:

NM_022051.3(EGLN1):c.575A>G (p.Lys192Arg)

Gene: EGLN1 (egl-9 family hypoxia inducible factor 1; minus strand). Cytogenetic location: 1q42.2.
Variant type: single nucleotide variant.
Coding change: c.575A>G on transcript NM_022051.3 (MANE Select); coding-DNA position 575, A replaced by G.
Protein change: p.Lys192Arg; replaces lysine 192 with arginine.
Molecular consequence: missense variant.
Genome position (GRCh38, 1-based): chr1:231,421,314, T>C on the plus strand (A>G on the coding strand, the complement: EGLN1 is on the minus strand). VCF-style: chr1-231421314-T-C. GRCh37 (hg19) VCF-style: chr1-231557060-T-C.
Other names: c.575A>G, p.Lys192Arg (NM_001377260.1, NM_001377261.1); short protein forms K192R.
Identifiers: ClinVar variation 1440340 (VCV001440340.14), dbSNP rs75538505, ClinGen allele CA1453137.
Genomic context (GRCh38, chr1:231,421,314, plus strand): 5'-TCGTCCACCACACAGATGCCGTGCTTGTTCATGCACGGCACGATGTACTCGAGCGCCAGC[T>C]TCAGCGCCGGCAGGGGCTTCGTCTGCCCGTTGGGCCGCAGGCCGCCGCCGGGGCTCAGCG-3'
Protein context (NP_071334.1, residues 182-202): NGQTKPLPAL[Lys192Arg]LALEYIVPCM

ClinVar aggregate classification (germline): Conflicting classifications of pathogenicity. Review status: criteria provided, conflicting classifications (1 of 4 stars). 6 submissions from 6 submitters: Uncertain significance (5); Likely benign (1). Last evaluated 2026-01-20.

Conditions:
Erythrocytosis, familial, 3 (ECYT3). Identifiers: Orphanet 247511, MedGen C1853286, MONDO:0012353, OMIM 609820.
Hemoglobin, high altitude adaptation (HALAH). Identifiers: MedGen C1836778, OMIM 609070.

Allele frequency attached by ClinVar (database versions not stated): gnomAD exomes 0.00002 and 0.00004; gnomAD 0.00005 and 0.00008; TOPMed 0.00005; ExAC 0.00006; ESP Exome Variant Server 0.00008; 1000 Genomes Project 30x 0.00125; 1000 Genomes Project 0.00160.

Submissions (6):

Labcorp Genetics (formerly Invitae), Labcorp
Classification: Uncertain significance for Erythrocytosis, familial, 3. Last evaluated: 2026-01-20. Review status: criteria provided, single submitter. Criteria: Invitae Variant Classification Sherloc (09022015). Collection method: clinical testing. Allele origin: germline.
Comment: This sequence change replaces lysine, which is basic and polar, with arginine, which is basic and polar, at codon 192 of the EGLN1 protein (p.Lys192Arg). This variant is present in population databases (rs75538505, gnomAD 0.03%). This variant has not been reported in the literature in individuals affected with EGLN1-related conditions. ClinVar contains an entry for this variant (Variation ID: 1440340). An algorithm developed to predict the effect of missense changes on protein structure and function (PolyPhen-2) suggests that this variant is likely to be tolerated. In summary, the available evidence is currently insufficient to determine the role of this variant in disease. Therefore, it has been classified as a Variant of Uncertain Significance.

Ambry Genetics
Classification: Uncertain significance. Last evaluated: 2025-08-13. Review status: criteria provided, single submitter. Criteria: Ambry Variant Classification Scheme 2023. Collection method: clinical testing. Allele origin: germline.

Center for Genomic Medicine, Rigshospitalet, Copenhagen University Hospital
Classification: Uncertain significance. Last evaluated: 2025-03-04. Review status: criteria provided, single submitter. Criteria: ACMG Guidelines, 2015. Collection method: clinical testing. Allele origin: germline.

Blueprint Genetics
Classification: Likely benign. Last evaluated: 2024-08-22. Review status: criteria provided, single submitter. Criteria: ACMG Guidelines, 2015. Collection method: clinical testing. Allele origin: germline.

Fulgent Genetics
Classification: Uncertain significance for Hemoglobin, high altitude adaptation; Erythrocytosis, familial, 3. Last evaluated: 2024-02-22. Review status: criteria provided, single submitter. Criteria: ACMG Guidelines, 2015. Collection method: clinical testing. Allele origin: germline.

Breakthrough Genomics
Classification: Uncertain significance. Review status: criteria provided, single submitter. Criteria: ACMG Guidelines, 2015. Collection method: not provided. Allele origin: germline. Inheritance: Autosomal dominant inheritance. Affected: yes.